The following is an entry in ClinVar:

NM_004006.3(DMD):c.6439-143G>A

Gene: DMD (dystrophin; minus strand). Cytogenetic location: Xp21.1.
Variant type: single nucleotide variant.
Coding change: c.6439-143G>A on transcript NM_004006.3 (MANE Select); 143 bases into the intron before coding-DNA position 6439, G replaced by A.
Molecular consequence: intron variant.
Genome position (GRCh38, 1-based): chrX:31,968,657, C>T on the plus strand (G>A on the coding strand, the complement: DMD is on the minus strand). VCF-style: chrX-31968657-C-T. GRCh37 (hg19) VCF-style: chrX-31986774-C-T.
Other names: c.6415-143G>A (NM_000109.4); c.2416-143G>A (NM_004011.4); c.2407-143G>A (NM_004012.4); c.-942-143G>A (NM_004023.3, NM_004020.4, NM_004022.3 and 2 more transcripts); c.6427-143G>A (NM_004009.3); c.6070-143G>A (NM_004010.3).
Identifiers: ClinVar variation 671238 (VCV000671238.3), dbSNP rs3761605, ClinGen allele CA328490697.

ClinVar aggregate classification (germline): Benign. Review status: criteria provided, multiple submitters, no conflicts (2 of 4 stars). 3 submissions from 3 submitters: Benign (2). 1 of the submissions does not count toward it. Last evaluated 2018-06-14.

Conditions:
Duchenne muscular dystrophy (DMD). Also called: MUSCULAR DYSTROPHY, PSEUDOHYPERTROPHIC PROGRESSIVE, DUCHENNE TYPE; Duchenne Muscular Dystrophy (DMD). Identifiers: Orphanet 98896, MedGen C0013264, MONDO:0010679, OMIM 310200.
Dystrophin deficiency.
Becker muscular dystrophy (BMD). Also called: MUSCULAR DYSTROPHY, PSEUDOHYPERTROPHIC PROGRESSIVE, BECKER TYPE; Becker Muscular Dystrophy (BMD). Identifiers: Orphanet 98895, MedGen C0917713, MONDO:0010311, OMIM 300376.
Cardiomyopathy (CMYO). Also called: Cardiomyopathies. Identifiers: Orphanet 167848, MedGen C0878544, MONDO:0004994, HP:0001638. Inheritance: Various modes of inheritance.

Allele frequency attached by ClinVar (database versions not stated): TOPMed 0.28762; gnomAD 0.29636 and 0.30241; 1000 Genomes Project 30x 0.33694; 1000 Genomes Project 0.33987; gnomAD exomes 0.35550.
gnomAD v4.1: 225,810 of 653,142 alleles (35%); highest among the groups gnomAD compares: East Asian, 50%; 27,094 homozygotes.

Submissions (3):

GeneDx
Classification: Benign. Last evaluated: 2018-06-14. Review status: criteria provided, single submitter. Criteria: GeneDx Variant Classification (06012015). Collection method: clinical testing. Allele origin: germline. Affected: yes.
Comment: This variant is considered likely benign or benign based on one or more of the following criteria: it is a conservative change, it occurs at a poorly conserved position in the protein, it is predicted to be benign by multiple in silico algorithms, and/or has population frequency not consistent with disease.

Breakthrough Genomics
Classification: Benign. Review status: criteria provided, single submitter. Criteria: ACMG Guidelines, 2015. Collection method: not provided. Allele origin: germline. Inheritance: X-linked inheritance. Affected: yes.

Natera, Inc.
Classification: Benign for Becker muscular dystrophy; Cardiomyopathy; Duchenne muscular dystrophy; Dystrophin deficiency. Last evaluated: 2017-08-08. Review status: no assertion criteria provided. Collection method: clinical testing. Allele origin: germline. Not counted in ClinVar's aggregate classification.